The following is an entry in ClinVar:

NM_007194.4(CHEK2):c.761G>A (p.Arg254Lys)

Gene: CHEK2 (checkpoint kinase 2; minus strand). Cytogenetic location: 22q12.1.
Variant type: single nucleotide variant.
Coding change: c.761G>A on transcript NM_007194.4 (MANE Select); coding-DNA position 761, G replaced by A.
Protein change: p.Arg254Lys; replaces arginine 254 with lysine.
Molecular consequence: missense variant.
Genome position (GRCh38, 1-based): chr22:28,711,940, C>T on the plus strand (G>A on the coding strand, the complement: CHEK2 is on the minus strand). VCF-style: chr22-28711940-C-T. GRCh37 (hg19) VCF-style: chr22-29107928-C-T.
Other names: c.890G>A, p.Arg297Lys (NM_001005735.3); c.98G>A, p.Arg33Lys (NM_001257387.3); c.560G>A, p.Arg187Lys (NM_001349956.3); c.761G>A, p.Arg254Lys (NM_145862.3); short protein forms R33K, R187K, R297K, R254K.
Identifiers: ClinVar variation 972263 (VCV000972263.10), dbSNP rs2053409162, ClinGen allele CA411103168.

ClinVar aggregate classification (germline): Uncertain significance (1 of 4 stars; one submission).

Conditions:
Familial cancer of breast. Also called: hereditary breast carcinoma; Hereditary breast cancer; BREAST CANCER, FAMILIAL. Identifiers: Orphanet 227535, MedGen C0346153, MONDO:0016419, OMIM 114480. Disease mechanism: loss of function.

Submission:

Labcorp Genetics (formerly Invitae), Labcorp
Classification: Uncertain significance for Familial cancer of breast. Last evaluated: 2024-04-22. Review status: criteria provided, single submitter. Criteria: Invitae Variant Classification Sherloc (09022015). Collection method: clinical testing. Allele origin: germline.
Comment: This sequence change replaces arginine, which is basic and polar, with lysine, which is basic and polar, at codon 254 of the CHEK2 protein (p.Arg254Lys). This variant is not present in population databases (gnomAD no frequency). This variant has not been reported in the literature in individuals affected with CHEK2-related conditions. ClinVar contains an entry for this variant (Variation ID: 972263). An algorithm developed to predict the effect of missense changes on protein structure and function (PolyPhen-2) suggests that this variant is likely to be tolerated. In summary, the available evidence is currently insufficient to determine the role of this variant in disease. Therefore, it has been classified as a Variant of Uncertain Significance.